The following is an entry in ClinVar:

ClinVar aggregate classification (germline): Conflicting classifications of pathogenicity. Review status: criteria provided, conflicting classifications (1 of 4 stars). 2 submissions from 2 submitters: Uncertain significance (1); Likely benign (1). Last evaluated 2025-08-26.

Conditions:
Inborn genetic diseases. Identifiers: MedGen C0950123, MeSH D030342.

Allele frequency attached by ClinVar (database versions not stated): gnomAD exomes 0.00005 and 0.00007; TOPMed 0.00005; gnomAD 0.00007 and 0.00008; ExAC 0.00009; 1000 Genomes Project 30x 0.00016; 1000 Genomes Project 0.00020; ESP Exome Variant Server 0.00023.
gnomAD v4.1: 82 of 1,613,504 alleles (0.0051%); highest among the groups gnomAD compares: Middle Eastern, 0.034%; no homozygotes.

Submissions (2):

Ambry Genetics
Classification: Likely benign for Inborn genetic diseases. Last evaluated: 2025-08-26. Review status: criteria provided, single submitter. Criteria: Ambry Variant Classification Scheme 2023. Collection method: clinical testing. Allele origin: germline.

Labcorp Genetics (formerly Invitae), Labcorp
Classification: Uncertain significance. Last evaluated: 2023-09-20. Review status: criteria provided, single submitter. Criteria: Invitae Variant Classification Sherloc (09022015). Collection method: clinical testing. Allele origin: germline.
Comment: In summary, the available evidence is currently insufficient to determine the role of this variant in disease. Therefore, it has been classified as a Variant of Uncertain Significance. An algorithm developed to predict the effect of missense changes on protein structure and function (PolyPhen-2) suggests that this variant is likely to be tolerated. ClinVar contains an entry for this variant (Variation ID: 1402999). This variant has not been reported in the literature in individuals affected with DIP2C-related conditions. This variant is present in population databases (rs139119358, gnomAD 0.03%). This sequence change replaces alanine, which is neutral and non-polar, with valine, which is neutral and non-polar, at codon 1100 of the DIP2C protein (p.Ala1100Val).

NM_014974.3(DIP2C):c.3299C>T (p.Ala1100Val)

Genes: DIP2C (DIP2 acetate--CoA ligase C (putative); minus strand), LOC126860805 (BRD4-independent group 4 enhancer GRCh37_chr10:390524-391723; plus strand). Cytogenetic location: 10p15.3.
Variant type: single nucleotide variant.
Coding change: c.3299C>T on transcript NM_014974.3 (MANE Select); coding-DNA position 3299, C replaced by T.
Protein change: p.Ala1100Val; replaces alanine 1100 with valine.
Molecular consequence: missense variant.
Genome position (GRCh38, 1-based): chr10:345,043, G>A on the plus strand (C>T on the coding strand, the complement: DIP2C is on the minus strand). VCF-style: chr10-345043-G-A. GRCh37 (hg19) VCF-style: chr10-390983-G-A.
Other names: c.3299C>T (NM_014974.2); short protein forms A1100V.
Identifiers: ClinVar variation 1402999 (VCV001402999.9), dbSNP rs139119358, ClinGen allele CA5380029.